The following is an entry in ClinVar:

ClinVar aggregate classification (germline): Uncertain significance. Review status: criteria provided, multiple submitters, no conflicts (2 of 4 stars). 2 submissions from 2 submitters: Uncertain significance (2). Last evaluated 2025-09-14.

Conditions:
Dystonia 12 (DYT12). Also called: DYT-ATP1A3; Rapid-Onset Dystonia-Parkinsonism (RDP). Identifiers: Orphanet 71517, MedGen C1868681, MONDO:0007496, OMIM 128235.

Allele frequency attached by ClinVar (database versions not stated): TOPMed 0.00003.
gnomAD v4.1: 18 of 1,614,068 alleles (0.0011%); highest among the groups gnomAD compares: Admixed American, 0.022%; no homozygotes.

Submissions (2):

Labcorp Genetics (formerly Invitae), Labcorp
Classification: Uncertain significance for Dystonia 12. Last evaluated: 2025-09-14. Review status: criteria provided, single submitter. Criteria: Invitae Variant Classification Sherloc (09022015). Collection method: clinical testing. Allele origin: germline.
Comment: This sequence change replaces glycine, which is neutral and non-polar, with alanine, which is neutral and non-polar, at codon 1004 of the ATP1A3 protein (p.Gly1004Ala). This variant is present in population databases (rs782204932, gnomAD 0.03%). This variant has not been reported in the literature in individuals affected with ATP1A3-related conditions. ClinVar contains an entry for this variant (Variation ID: 946145). An algorithm developed to predict the effect of missense changes on protein structure and function (PolyPhen-2) suggests that this variant is likely to be disruptive. In summary, the available evidence is currently insufficient to determine the role of this variant in disease. Therefore, it has been classified as a Variant of Uncertain Significance.

GeneDx
Classification: Uncertain significance. Last evaluated: 2024-10-31. Review status: criteria provided, single submitter. Criteria: GeneDx Variant Classification Process June 2021. Collection method: clinical testing. Allele origin: germline. Affected: yes.
Comment: In silico analysis supports that this missense variant has a deleterious effect on protein structure/function; Has not been previously published as pathogenic or benign to our knowledge

NM_152296.5(ATP1A3):c.3011G>C (p.Gly1004Ala)

Gene: ATP1A3 (ATPase Na+/K+ transporting subunit alpha 3; minus strand). Cytogenetic location: 19q13.2.
Variant type: single nucleotide variant.
Coding change: c.3011G>C on transcript NM_152296.5 (MANE Select); coding-DNA position 3011, G replaced by C.
Protein change: p.Gly1004Ala; replaces glycine 1004 with alanine.
Molecular consequence: missense variant.
Genome position (GRCh38, 1-based): chr19:41,967,251, C>G on the plus strand (G>C on the coding strand, the complement: ATP1A3 is on the minus strand). VCF-style: chr19-41967251-C-G. GRCh37 (hg19) VCF-style: chr19-42471403-C-G.
Other names: c.3044G>C, p.Gly1015Ala (NM_001256213.2); c.3050G>C, p.Gly1017Ala (NM_001256214.2); short protein forms G1004A, G1015A, G1017A.
Identifiers: ClinVar variation 946145 (VCV000946145.8), dbSNP rs782204932, ClinGen allele CA9467229.